The following is an entry in ClinVar:

ClinVar aggregate classification (germline): Uncertain significance. Review status: criteria provided, multiple submitters, no conflicts (2 of 4 stars). 2 submissions from 2 submitters: Uncertain significance (2). Last evaluated 2026-05-26.

Conditions:
Inborn genetic diseases. Identifiers: MedGen C0950123, MeSH D030342.

Allele frequency attached by ClinVar (database versions not stated): gnomAD exomes below 0.00001; gnomAD 0.00001; TOPMed below 0.00001.
gnomAD v4.1: 2 of 1,614,090 alleles (0.00012%); highest among the groups gnomAD compares: African/African-American, 0.0013%; no homozygotes.

Submissions (2):

Ambry Genetics
Classification: Uncertain significance for Inborn genetic diseases. Last evaluated: 2026-05-26. Review status: criteria provided, single submitter. Criteria: Ambry Variant Classification Scheme 2023. Collection method: clinical testing. Allele origin: germline.
Comment: The c.3829A>G (p.S1277G) alteration is located in exon 1 (coding exon 1) of the TCF20 gene. This alteration results from a A to G substitution at nucleotide position 3829, causing the serine (S) at amino acid position 1277 to be replaced by a glycine (G). Based on data from gnomAD, the G allele has an overall frequency of 0.003% (1/31408) total alleles studied. The highest observed frequency was 0.012% (1/8714) of African alleles. Based on insufficient or conflicting evidence, the clinical significance of this alteration remains unclear.

Labcorp Genetics (formerly Invitae), Labcorp
Classification: Uncertain significance. Last evaluated: 2023-12-11. Review status: criteria provided, single submitter. Criteria: Invitae Variant Classification Sherloc (09022015). Collection method: clinical testing. Allele origin: germline.
Comment: This sequence change replaces serine, which is neutral and polar, with glycine, which is neutral and non-polar, at codon 1277 of the TCF20 protein (p.Ser1277Gly). This variant is present in population databases (no rsID available, gnomAD 0.01%). This variant has not been reported in the literature in individuals affected with TCF20-related conditions. Algorithms developed to predict the effect of missense changes on protein structure and function output the following: SIFT: "Not Available"; PolyPhen-2: "Benign"; Align-GVGD: "Not Available". The glycine amino acid residue is found in multiple mammalian species, which suggests that this missense change does not adversely affect protein function. In summary, the available evidence is currently insufficient to determine the role of this variant in disease. Therefore, it has been classified as a Variant of Uncertain Significance.

NM_001378418.1(TCF20):c.3829A>G (p.Ser1277Gly)

Gene: TCF20 (transcription factor 20; minus strand). Cytogenetic location: 22q13.2.
Variant type: single nucleotide variant.
Coding change: c.3829A>G on transcript NM_001378418.1 (MANE Select); coding-DNA position 3829, A replaced by G.
Protein change: p.Ser1277Gly; replaces serine 1277 with glycine.
Molecular consequence: missense variant.
Genome position (GRCh38, 1-based): chr22:42,211,477, T>C on the plus strand (A>G on the coding strand, the complement: TCF20 is on the minus strand). VCF-style: chr22-42211477-T-C. GRCh37 (hg19) VCF-style: chr22-42607483-T-C.
Other names: c.3829A>G (NM_005650.1); c.3829A>G, p.Ser1277Gly (NM_005650.4, NM_181492.3); short protein forms S1277G.
Identifiers: ClinVar variation 3002649 (VCV003002649.4), dbSNP rs1033135958, ClinGen allele CA324699215.
Genomic context (GRCh38, chr22:42,211,477, plus strand): 5'-TGAATGCTTTATCAGCGCCTTCTTTTGATGAGTGAAGGAGGCGACCTTTATCTTCAGTGC[T>C]ACTGTTCTTTACATCTTGTGACTGTCTCTTACTGGGAATGGGAGAGATAAAAGAACGAAC-3'
Protein context (NP_001365347.1, residues 1267-1287): KRQSQDVKNS[Ser1277Gly]TEDKGRLLHS